The following is an entry in ClinVar:

NM_080425.4(GNAS):c.311T>G (p.Phe104Cys)

Gene: GNAS (GNAS complex locus; plus strand). Cytogenetic location: 20q13.32.
Variant type: single nucleotide variant.
Coding change: c.311T>G on transcript NM_080425.4 (MANE Plus Clinical); coding-DNA position 311, T replaced by G.
Protein change: p.Phe104Cys; replaces phenylalanine 104 with cysteine.
Molecular consequence: missense variant. On other transcripts: intron variant (3).
Genome position (GRCh38, 1-based): chr20:58,853,576, T>G. VCF-style: chr20-58853576-T-G. GRCh37 (hg19) VCF-style: chr20-57428631-T-G.
Other names: c.124T>G, p.Ser42Ala (NM_001077490.3, NM_001309883.1); c.311T>G, p.Phe104Cys (NM_001410913.1); c.*42+12690T>G (NM_016592.5); c.43+12690T>G (NM_001410912.1); c.-39+11701T>G (NM_001309861.2); short protein forms S42A, F104C.
Identifiers: ClinVar variation 134486 (VCV000134486.3), dbSNP rs587778386, ClinGen allele CA159948.

ClinVar aggregate classification (germline): not provided (0 of 4 stars; one submission).

Submission:

ITMI
No classification provided. Condition: AllHighlyPenetrant. Last evaluated: 2013-09-19. Review status: no classification provided. Collection method: reference population. Allele origin: germline.
Comment: Please see associated publication for description of ethnicities

Literature cited by the submitters: PubMed 24728327.